The following is an entry in ClinVar:

NM_178013.4(PRIMA1):c.28C>T (p.Arg10Cys)

Gene: PRIMA1 (proline rich membrane anchor 1; minus strand). Cytogenetic location: 14q32.12.
Variant type: single nucleotide variant.
Coding change: c.28C>T on transcript NM_178013.4 (MANE Select); coding-DNA position 28, C replaced by T.
Protein change: p.Arg10Cys; replaces arginine 10 with cysteine.
Molecular consequence: missense variant.
Genome position (GRCh38, 1-based): chr14:93,787,691, G>A on the plus strand (C>T on the coding strand, the complement: PRIMA1 is on the minus strand). VCF-style: chr14-93787691-G-A. GRCh37 (hg19) VCF-style: chr14-94254037-G-A.
Other names: short protein forms R10C.
Identifiers: ClinVar variation 1002613 (VCV001002613.9), dbSNP rs1236227808, ClinGen allele CA391147033.

ClinVar aggregate classification (germline): Uncertain significance (1 of 4 stars; one submission).

Conditions:
Familial sleep-related hypermotor epilepsy. Also called: Autosomal Dominant Sleep-Related Hypermotor (Hyperkinetic) Epilepsy. Identifiers: Orphanet 98784, MedGen C3696898, MONDO:0000030.

gnomAD v4.1: 1 of 1,544,464 alleles (0.000065%); highest among the groups gnomAD compares: Non-Finnish European, 0.000087%; no homozygotes.

Submission:

Labcorp Genetics (formerly Invitae), Labcorp
Classification: Uncertain significance for Familial sleep-related hypermotor epilepsy. Last evaluated: 2022-07-06. Review status: criteria provided, single submitter. Criteria: Invitae Variant Classification Sherloc (09022015). Collection method: clinical testing. Allele origin: germline.
Comment: This sequence change replaces arginine, which is basic and polar, with cysteine, which is neutral and slightly polar, at codon 10 of the PRIMA1 protein (p.Arg10Cys). This variant is not present in population databases (gnomAD no frequency). This variant has not been reported in the literature in individuals affected with PRIMA1-related conditions. ClinVar contains an entry for this variant (Variation ID: 1002613). Algorithms developed to predict the effect of missense changes on protein structure and function are either unavailable or do not agree on the potential impact of this missense change (SIFT: "Deleterious"; PolyPhen-2: "Possibly Damaging"; Align-GVGD: "Class C0"). In summary, the available evidence is currently insufficient to determine the role of this variant in disease. Therefore, it has been classified as a Variant of Uncertain Significance.